The following is an entry in ClinVar:

ClinVar aggregate classification (germline): Pathogenic/Likely pathogenic. Review status: criteria provided, multiple submitters, no conflicts (2 of 4 stars). 7 submissions from 7 submitters: Pathogenic (4); Likely pathogenic (2). 1 of the submissions does not count toward it. Last evaluated 2025-11-05.

Conditions:
CREBBP-related disorder. Also called: CREBBP-related disorders; CREBBP-related condition.
Inborn genetic diseases. Identifiers: MedGen C0950123, MeSH D030342.
Rubinstein-Taybi syndrome due to CREBBP mutations (RSTS1). Also called: RUBINSTEIN-TAYBI SYNDROME 1, INCOMPLETE; Rubinstein-Taybi syndrome 1; CREBBP-Related Rubinstein-Taybi Syndrome; RUBINSTEIN SYNDROME; BROAD THUMB-HALLUX SYNDROME; BROAD THUMBS AND GREAT TOES, CHARACTERISTIC FACIES, AND IMPAIRED INTELLECTUAL DEVELOPMENT. Identifiers: Orphanet 353277, Orphanet 783, MedGen C4551859, MONDO:0008393, OMIM 180849.

Allele frequency attached by ClinVar (database versions not stated): TOPMed below 0.00001.

Submissions (7):

Kasturba Medical College, Manipal, Kasturba Medical College, Manipal, Manipal Academy of Higher Education, Manipal, India
Classification: Pathogenic for Rubinstein-Taybi syndrome due to CREBBP mutations. Last evaluated: 2025-11-05. Review status: criteria provided, single submitter. Criteria: ACMG Guidelines, 2015. Collection method: research. Allele origin: maternal. Inheritance: Autosomal dominant inheritance. Affected: yes.
Comment: The variant is absent in heterozygous and/or homozygous state from the population database, gnomAD (v4.1.0) and our in-house database of 3860 exomes. In-silico analysis tools (CADD_phred and REVEL) are consistent in predicting the variant as damaging to CREBBP protein function.

Ambry Genetics
Classification: Pathogenic for Inborn genetic diseases. Last evaluated: 2024-06-20. Review status: criteria provided, single submitter. Criteria: Ambry Variant Classification Scheme 2023. Collection method: clinical testing. Allele origin: germline.
Comment: The c.3524A>G (p.Y1175C) alteration is located in exon 18 (coding exon 18) of the CREBBP gene. This alteration results from a A to G substitution at nucleotide position 3524, causing the tyrosine (Y) at amino acid position 1175 to be replaced by a cysteine (C). for Rubinstein-Taybi syndrome; however, its clinical significance for Menke-Hennekam syndrome is uncertain. This variant was not reported in population-based cohorts in the Genome Aggregation Database (gnomAD). This variant has been determined to be the result of a de novo mutation in two individuals with digital and facial features consistent with Rubinstein-Taybi syndrome, without intellectual disability and/or developmental delay (Bartsch, 2002; Spena, 2015). This amino acid position is highly conserved in available vertebrate species. This missense alteration is located in a region that has a low rate of benign missense variation (Lek, 2016; Firth, 2009). This alteration is predicted to be deleterious by in silico analysis. Based on the available evidence, this alteration is classified as pathogenic.

Blueprint Genetics
Classification: Pathogenic for CREBBP-related disorders. Last evaluated: 2024-05-22. Review status: criteria provided, single submitter. Criteria: ACMG Guidelines, 2015. Collection method: clinical testing. Allele origin: germline. Affected: yes. Observed: 1 variant allele.

Greenwood Genetic Center Diagnostic Laboratories, Greenwood Genetic Center
Classification: Pathogenic for Rubinstein-Taybi syndrome due to CREBBP mutations. Last evaluated: 2023-06-21. Review status: criteria provided, single submitter. Criteria: ACMG Guidelines, 2015. Collection method: clinical testing. Allele origin: germline. Affected: yes.
Comment: PS2, PS4, PM2, PP2, PP3

Wessex Regional Genetics Laboratory, Salisbury District Hospital
Classification: Likely pathogenic for Rubinstein-Taybi syndrome due to CREBBP mutations. Last evaluated: 2019-11-05. Review status: criteria provided, single submitter. Criteria: ACMG Guidelines, 2015. Collection method: clinical testing. Allele origin: unknown. Inheritance: Autosomal dominant inheritance. Affected: yes. Observed: 2 variant alleles.

Juno Genomics, Hangzhou Juno Genomics, Inc
Classification: Likely pathogenic for Rubinstein-Taybi syndrome due to CREBBP mutations. Review status: criteria provided, single submitter. Criteria: ACMG Guidelines, 2015. Collection method: clinical testing. Allele origin: germline. Affected: yes.
Comment: Absent from controls (or at extremely low frequency if recessive) in Genome Aggregation Database, Exome Sequencing Project, 1000 Genomes Project, or Exome Aggregation Consortium.;Multiple lines of computational evidence support a deleterious effect on the gene or gene product (conservation, evolutionary, splicing impact, etc).;Missense variant in a gene that has a low rate of benign missense variation and where missense variants are a common mechanism of disease.;The prevalence of the variant in affected individuals is significantly increased compared to the prevalence in controls.;Assumed de novo, but without confirmation of paternity and maternity.;Patient's phenotype or family history is highly specific for a disease with a single genetic etiology.

OMIM
Classification: Pathogenic for RUBINSTEIN-TAYBI SYNDROME 1, INCOMPLETE. Last evaluated: 2002-07-01. Review status: no assertion criteria provided. Collection method: literature only. Allele origin: germline. Not counted in ClinVar's aggregate classification.

Literature cited by the submitters: PubMed 25388907 (cited by Kasturba Medical College, Manipal, Kasturba Medical College, Manipal, Manipal Academy of Higher Education, Manipal, India and Ambry Genetics); PubMed 12114483 (cited by Ambry Genetics and OMIM).

NM_004380.3(CREBBP):c.3524A>G (p.Tyr1175Cys)

Gene: CREBBP (CREB binding lysine acetyltransferase; minus strand). Cytogenetic location: 16p13.3.
Variant type: single nucleotide variant.
Coding change: c.3524A>G on transcript NM_004380.3 (MANE Select); coding-DNA position 3524, A replaced by G.
Protein change: p.Tyr1175Cys; replaces tyrosine 1175 with cysteine.
Molecular consequence: missense variant.
Genome position (GRCh38, 1-based): chr16:3,757,894, T>C on the plus strand (A>G on the coding strand, the complement: CREBBP is on the minus strand). VCF-style: chr16-3757894-T-C. GRCh37 (hg19) VCF-style: chr16-3807895-T-C.
Other names: c.3410A>G, p.Tyr1137Cys (NM_001079846.1); short protein forms Y1175C, Y1137C.
Identifiers: ClinVar variation 9432 (VCV000009432.8), dbSNP rs28937315, ClinGen allele CA254814.